The following is an entry in ClinVar:

ClinVar aggregate classification (germline): Uncertain significance (1 of 4 stars; one submission).

gnomAD v4.1: 2 of 1,613,856 alleles (0.00012%); highest among the groups gnomAD compares: Non-Finnish European, 0.00017%; no homozygotes.

Submission:

Labcorp Genetics (formerly Invitae), Labcorp
Classification: Uncertain significance. Last evaluated: 2026-01-11. Review status: criteria provided, single submitter. Criteria: Invitae Variant Classification Sherloc (09022015). Collection method: clinical testing. Allele origin: germline.
Comment: This sequence change replaces arginine, which is basic and polar, with leucine, which is neutral and non-polar, at codon 1574 of the LRP6 protein (p.Arg1574Leu). This variant is not present in population databases (gnomAD no frequency). This variant has not been reported in the literature in individuals affected with LRP6-related conditions. Invitae Evidence Modeling of protein sequence and biophysical properties (such as structural, functional, and spatial information, amino acid conservation, physicochemical variation, residue mobility, and thermodynamic stability) indicates that this missense variant is not expected to disrupt LRP6 protein function with a negative predictive value of 80%. In summary, the available evidence is currently insufficient to determine the role of this variant in disease. Therefore, it has been classified as a Variant of Uncertain Significance.

NM_002336.3(LRP6):c.4721G>T (p.Arg1574Leu)

Gene: LRP6 (LDL receptor related protein 6; minus strand). Cytogenetic location: 12p13.2.
Variant type: single nucleotide variant.
Coding change: c.4721G>T on transcript NM_002336.3 (MANE Select); coding-DNA position 4721, G replaced by T.
Protein change: p.Arg1574Leu; replaces arginine 1574 with leucine.
Molecular consequence: missense variant. On other transcripts: 3 prime UTR variant (1), non-coding transcript variant (1).
Genome position (GRCh38, 1-based): chr12:12,121,247, C>A on the plus strand (G>T on the coding strand, the complement: LRP6 is on the minus strand). VCF-style: chr12-12121247-C-A. GRCh37 (hg19) VCF-style: chr12-12274181-C-A.
Other names: c.4814G>T, p.Arg1605Leu (NM_001414244.1); c.4721G>T, p.Arg1574Leu (NM_001414245.1); c.4586G>T, p.Arg1529Leu (NM_001414246.1); c.4523G>T, p.Arg1508Leu (NM_001414247.1); c.*197G>T (NM_001414248.1); c.4358G>T, p.Arg1453Leu (NM_001414251.1); c.4268G>T, p.Arg1423Leu (NM_001414252.1, NM_001414253.1, NM_001414254.1); c.4214G>T, p.Arg1405Leu (NM_001414255.1); short protein forms R1423L, R1605L, R1574L, R1508L, R1529L, R1405L, R1453L.
Identifiers: ClinVar variation 4709919 (VCV004709919.1).
Genomic context (GRCh38, chr12:12,121,247, plus strand): 5'-TCTGTGTATGGAGAAGGTGGGCAGCTTTCATAGTTCTCCTCTGCTGACAAGTATTGGCTT[C>A]GGGGTGTGGGAGGTGGGGGCACAGGTTCTGAATCATAGTTCAAGTCACTGGTATAGCCCT-3'
Protein context (NP_002327.2, residues 1564-1584): SEPVPPPPTP[Arg1574Leu]SQYLSAEENY